The following is an entry in ClinVar:

NM_024426.6(WT1):c.671C>T (p.Thr224Met)

Gene: WT1 (WT1 transcription factor; minus strand). Cytogenetic location: 11p13.
Variant type: single nucleotide variant.
Coding change: c.671C>T on transcript NM_024426.6 (MANE Select); coding-DNA position 671, C replaced by T.
Protein change: p.Thr224Met; replaces threonine 224 with methionine.
Molecular consequence: missense variant. On other transcripts: non-coding transcript variant (1).
Genome position (GRCh38, 1-based): chr11:32,428,610, G>A on the plus strand (C>T on the coding strand, the complement: WT1 is on the minus strand). VCF-style: chr11-32428610-G-A. GRCh37 (hg19) VCF-style: chr11-32450156-G-A.
Other names: c.671C>T, p.Thr224Met (NM_000378.6, NM_001407044.1, NM_001407045.1 and 4 more transcripts); c.20C>T, p.Thr7Met (NM_001198551.2, NM_001198552.2); c.-92C>T (NM_001407051.1); c.656C>T, p.Thr219Met (NM_024425.2); short protein forms T224M, T7M, T219M.
Identifiers: ClinVar variation 648686 (VCV000648686.15), dbSNP rs779451877, ClinGen allele CA065432.

ClinVar aggregate classification (germline): Uncertain significance. Review status: criteria provided, multiple submitters, no conflicts (2 of 4 stars). 4 submissions from 4 submitters: Uncertain significance (4). Last evaluated 2025-02-26.

Conditions:
Drash syndrome (DDS). Also called: WILMS TUMOR AND PSEUDO- OR TRUE HERMAPHRODITISM; NEPHROPATHY, WILMS TUMOR, AND GENITAL ANOMALIES. Identifiers: Orphanet 220, MedGen C0950121, MONDO:0008682, OMIM 194080.
Wilms tumor 1 (WT1). Also called: Wilms tumor, somatic. Identifiers: Orphanet 654, MedGen CN033288, MONDO:0008679, OMIM 194070.
11p partial monosomy syndrome (WAGR). Also called: WAGR Spectrum Disorder; WAGR Complex; WAGR syndrome; CHROMOSOME 11p13 DELETION SYNDROME. Identifiers: Orphanet 893, MedGen C0206115, MONDO:0008681, OMIM 194072.
Frasier syndrome. Identifiers: Orphanet 347, MedGen C0950122, MeSH D052159, MONDO:0007635, OMIM 136680.
Inborn genetic diseases. Identifiers: MedGen C0950123, MeSH D030342.

Allele frequency attached by ClinVar (database versions not stated): gnomAD exomes below 0.00001; TOPMed below 0.00001; ExAC 0.00001.

Submissions (4):

Ambry Genetics
Classification: Uncertain significance for Inborn genetic diseases. Last evaluated: 2025-02-26. Review status: criteria provided, single submitter. Criteria: Ambry Variant Classification Scheme 2023. Collection method: clinical testing. Allele origin: germline.
Comment: The p.T219M variant (also known as c.656C>T), located in coding exon 2 of the WT1 gene, results from a C to T substitution at nucleotide position 656. The threonine at codon 219 is replaced by methionine, an amino acid with similar properties. This amino acid position is conserved. In addition, the in silico prediction for this alteration is inconclusive. Based on the available evidence, the clinical significance of this variant remains unclear.

Labcorp Genetics (formerly Invitae), Labcorp
Classification: Uncertain significance for Wilms tumor 1; Drash syndrome; 11p partial monosomy syndrome; Frasier syndrome. Last evaluated: 2025-02-18. Review status: criteria provided, single submitter. Criteria: Invitae Variant Classification Sherloc (09022015). Collection method: clinical testing. Allele origin: germline.
Comment: This sequence change replaces threonine, which is neutral and polar, with methionine, which is neutral and non-polar, at codon 219 of the WT1 protein (p.Thr219Met). This variant is present in population databases (rs779451877, gnomAD 0.0009%). This variant has not been reported in the literature in individuals affected with WT1-related conditions. ClinVar contains an entry for this variant (Variation ID: 648686). Invitae Evidence Modeling of protein sequence and biophysical properties (such as structural, functional, and spatial information, amino acid conservation, physicochemical variation, residue mobility, and thermodynamic stability) indicates that this missense variant is not expected to disrupt WT1 protein function with a negative predictive value of 95%. In summary, the available evidence is currently insufficient to determine the role of this variant in disease. Therefore, it has been classified as a Variant of Uncertain Significance.

GeneDx
Classification: Uncertain significance. Last evaluated: 2024-04-01. Review status: criteria provided, single submitter. Criteria: GeneDx Variant Classification Process June 2021. Collection method: clinical testing. Allele origin: germline. Affected: yes.
Comment: Not observed at significant frequency in large population cohorts (gnomAD); In silico analysis supports that this missense variant has a deleterious effect on protein structure/function; Has not been previously published as pathogenic or benign to our knowledge; This variant is associated with the following publications: (PMID: 8486616)

All of Us Research Program, National Institutes of Health
Classification: Uncertain significance for Wilms tumor 1. Last evaluated: 2024-02-05. Review status: criteria provided, single submitter. Criteria: ACMG Guidelines, 2015. Collection method: clinical testing. Allele origin: germline. Inheritance: Autosomal dominant inheritance. Observed: 2 variant alleles, 2 heterozygotes.
Comment: This missense variant replaces threonine with methionine at codon 219 of the WT1 protein. Computational prediction is inconclusive regarding the impact of this variant on protein structure and function (internally defined REVEL score threshold 0.5 < inconclusive < 0.7, PMID: 27666373). To our knowledge, functional studies have not been reported for this variant. This variant has not been reported in individuals affected with WT1-related disorders in the literature. This variant has been identified in 1/249996 chromosomes in the general population by the Genome Aggregation Database (gnomAD). The available evidence is insufficient to determine the role of this variant in disease conclusively. Therefore, this variant is classified as a Variant of Uncertain Significance.

This study involves interpretation of variants in research participants for the purpose of population health screening. Participant phenotype was not available at the time of variant classification. Additional details can be found in publication PMID: 35346344, PMCID: PMC8962531